The following is an entry in ClinVar:

NM_152703.5(SAMD9L):c.3244G>T (p.Ala1082Ser)

Gene: SAMD9L (sterile alpha motif domain containing 9 like; minus strand). Cytogenetic location: 7q21.2.
Variant type: single nucleotide variant.
Coding change: c.3244G>T on transcript NM_152703.5 (MANE Select); coding-DNA position 3244, G replaced by T.
Protein change: p.Ala1082Ser; replaces alanine 1082 with serine.
Molecular consequence: missense variant.
Genome position (GRCh38, 1-based): chr7:93,132,728, C>A on the plus strand (G>T on the coding strand, the complement: SAMD9L is on the minus strand). VCF-style: chr7-93132728-C-A. GRCh37 (hg19) VCF-style: chr7-92762041-C-A.
Other names: c.3244G>T, p.Ala1082Ser (NM_001303496.3, NM_001303497.3, NM_001303498.3 and 5 more transcripts); short protein forms A1082S.
Identifiers: ClinVar variation 5028957 (VCV005028957.1).

ClinVar aggregate classification (germline): Uncertain significance (1 of 4 stars; one submission).

Conditions:
Inborn genetic diseases. Identifiers: MedGen C0950123, MeSH D030342.

Submission:

Ambry Genetics
Classification: Uncertain significance for Inborn genetic diseases. Last evaluated: 2026-08-17. Review status: criteria provided, single submitter. Criteria: Ambry Variant Classification Scheme 2023. Collection method: clinical testing. Allele origin: germline.
Comment: The p.A1082S variant (also known as c.3244G>T), located in coding exon 1 of the SAMD9L gene, results from a G to T substitution at nucleotide position 3244. The alanine at codon 1082 is replaced by serine, an amino acid with similar properties. This amino acid position is conserved. In addition, this alteration is predicted to be tolerated by in silico analysis. Based on the available evidence, the clinical significance of this variant remains unclear.